The following is an entry in ClinVar:

NM_194248.3(OTOF):c.2554T>A (p.Trp852Arg)

Gene: OTOF (otoferlin; minus strand). Cytogenetic location: 2p23.3.
Variant type: single nucleotide variant.
Coding change: c.2554T>A on transcript NM_194248.3 (MANE Select); coding-DNA position 2554, T replaced by A.
Protein change: p.Trp852Arg; replaces tryptophan 852 with arginine.
Molecular consequence: missense variant.
Genome position (GRCh38, 1-based): chr2:26,477,013, A>T on the plus strand (T>A on the coding strand, the complement: OTOF is on the minus strand). VCF-style: chr2-26477013-A-T. GRCh37 (hg19) VCF-style: chr2-26699881-A-T.
Other names: c.2554T>A, p.Trp852Arg (NM_001287489.2); c.313T>A, p.Trp105Arg (NM_004802.4, NM_194323.3); c.484T>A, p.Trp162Arg (NM_194322.3); short protein forms W852R, W105R, W162R.
Identifiers: ClinVar variation 1513789 (VCV001513789.8), dbSNP rs2148050707, ClinGen allele CA346120516.
Genomic context (GRCh38, chr2:26,477,013, plus strand): 5'-AGAGCAGGTCCTTGGAGGGCACACGGGCATAGGCGACACGCTTGTTGTTGCTCATCATCC[A>T]GATGAAGATGTCGGGAATGCTGTGCTGGGGCTGGGGGTTGGGGGGTGGCCAGGGGCAGTG-3'
Protein context (NP_919224.1, residues 842-862): PQHSIPDIFI[Trp852Arg]MMSNNKRVAY

ClinVar aggregate classification (germline): Uncertain significance (1 of 4 stars; one submission).

Submission:

Labcorp Genetics (formerly Invitae), Labcorp
Classification: Uncertain significance. Last evaluated: 2021-02-28. Review status: criteria provided, single submitter. Criteria: Invitae Variant Classification Sherloc (09022015). Collection method: clinical testing. Allele origin: germline.
Comment: This sequence change replaces tryptophan with arginine at codon 852 of the OTOF protein (p.Trp852Arg). The tryptophan residue is highly conserved and there is a moderate physicochemical difference between tryptophan and arginine. This variant is not present in population databases (ExAC no frequency). This variant has not been reported in the literature in individuals with OTOF-related conditions. Algorithms developed to predict the effect of missense changes on protein structure and function (SIFT, PolyPhen-2, Align-GVGD) all suggest that this variant is likely to be disruptive, but these predictions have not been confirmed by published functional studies and their clinical significance is uncertain. Algorithms developed to predict the effect of sequence changes on RNA splicing suggest that this variant may create or strengthen a splice site, but this prediction has not been confirmed by published transcriptional studies. In summary, the available evidence is currently insufficient to determine the role of this variant in disease. Therefore, it has been classified as a Variant of Uncertain Significance.